The following is an entry in ClinVar:

NM_001904.4(CTNNB1):c.179C>G (p.Ser60Cys)

Genes: CTNNB1 (catenin beta 1; plus strand), LOC126806658 (BRD4-independent group 4 enhancer GRCh37_chr3:41265899-41267098; plus strand). Cytogenetic location: 3p22.1.
Variant type: single nucleotide variant.
Coding change: c.179C>G on transcript NM_001904.4 (MANE Select); coding-DNA position 179, C replaced by G.
Protein change: p.Ser60Cys; replaces serine 60 with cysteine.
Molecular consequence: missense variant.
Genome position (GRCh38, 1-based): chr3:41,224,691, C>G. VCF-style: chr3-41224691-C-G. GRCh37 (hg19) VCF-style: chr3-41266182-C-G.
Other names: c.179C>G (NM_001904.3); c.179C>G, p.Ser60Cys (NM_001098209.2, NM_001098210.2); c.158C>G, p.Ser53Cys (NM_001330729.2); short protein forms S53C, S60C.
Identifiers: ClinVar variation 2109881 (VCV002109881.5), dbSNP rs2125617955, ClinGen allele CA352228656.
Genomic context (GRCh38, chr3:41,224,691, plus strand): 5'-CTACCACAGCTCCTTCTCTGAGTGGTAAAGGCAATCCTGAGGAAGAGGATGTGGATACCT[C>G]CCAAGTCCTGTATGAGTGGGAACAGGGATTTTCTCAGTCCTTCACTCAAGAACAAGTAGC-3'
Protein context (NP_001895.1, residues 50-70): GNPEEEDVDT[Ser60Cys]QVLYEWEQGF

ClinVar aggregate classification (germline): Uncertain significance. Review status: criteria provided, multiple submitters, no conflicts (2 of 4 stars). 2 submissions from 2 submitters: Uncertain significance (2). Last evaluated 2023-04-28.

Conditions:
CTNNB1-related disorder. Also called: CTNNB1-related condition.

Submissions (2):

PreventionGenetics, part of Exact Sciences
Classification: Uncertain significance for CTNNB1-related condition. Last evaluated: 2023-04-28. Review status: criteria provided, single submitter. Criteria: ACMG Guidelines, 2015. Collection method: clinical testing. Allele origin: germline.
Comment: The CTNNB1 c.179C>G variant is predicted to result in the amino acid substitution p.Ser60Cys. To our knowledge, this variant has not been reported in the literature or in a large population database, indicating this variant is rare. At this time, the clinical significance of this variant is uncertain due to the absence of conclusive functional and genetic evidence.

Labcorp Genetics (formerly Invitae), Labcorp
Classification: Uncertain significance. Last evaluated: 2022-07-27. Review status: criteria provided, single submitter. Criteria: Invitae Variant Classification Sherloc (09022015). Collection method: clinical testing. Allele origin: germline.
Comment: In summary, the available evidence is currently insufficient to determine the role of this variant in disease. Therefore, it has been classified as a Variant of Uncertain Significance. Algorithms developed to predict the effect of missense changes on protein structure and function (SIFT, PolyPhen-2, Align-GVGD) all suggest that this variant is likely to be tolerated. This variant has not been reported in the literature in individuals affected with CTNNB1-related conditions. This variant is not present in population databases (gnomAD no frequency). This sequence change replaces serine, which is neutral and polar, with cysteine, which is neutral and slightly polar, at codon 60 of the CTNNB1 protein (p.Ser60Cys).